The following is an entry in ClinVar:

NM_017433.5(MYO3A):c.4829G>C (p.Arg1610Pro)

Gene: MYO3A (myosin IIIA; plus strand). Cytogenetic location: 10p12.1.
Variant type: single nucleotide variant.
Coding change: c.4829G>C on transcript NM_017433.5 (MANE Select); coding-DNA position 4829, G replaced by C.
Protein change: p.Arg1610Pro; replaces arginine 1610 with proline.
Molecular consequence: missense variant.
Genome position (GRCh38, 1-based): chr10:26,211,941, G>C. VCF-style: chr10-26211941-G-C. GRCh37 (hg19) VCF-style: chr10-26500870-G-C.
Other names: short protein forms R1610P.
Identifiers: ClinVar variation 4988721 (VCV004988721.1).

ClinVar aggregate classification (germline): Uncertain significance (1 of 4 stars; one submission).

Conditions:
MYO3A-related disorder. Also called: MYO3A-related condition.

gnomAD v4.1: 6 of 1,613,742 alleles (0.00037%); highest among the groups gnomAD compares: South Asian, 0.0055%; no homozygotes.

Submission:

PreventionGenetics, part of Exact Sciences
Classification: Uncertain significance for MYO3A-related condition. Last evaluated: 2024-11-22. Review status: criteria provided, single submitter. Criteria: ACMG Guidelines, 2015. Collection method: clinical testing. Allele origin: germline.
Comment: The MYO3A c.4829G>C variant is predicted to result in the amino acid substitution p.Arg1610Pro. To our knowledge, this variant has not been reported in the literature or in a large population database (gnomAD), indicating this variant is rare. At this time, the clinical significance of this variant is uncertain due to the absence of conclusive functional and genetic evidence.